The following is an entry in ClinVar:

NM_001349338.3(FOXP1):c.116G>C (p.Gly39Ala)

Gene: FOXP1 (forkhead box P1; minus strand). Cytogenetic location: 3p13.
Variant type: single nucleotide variant.
Coding change: c.116G>C on transcript NM_001349338.3 (MANE Select); coding-DNA position 116, G replaced by C.
Protein change: p.Gly39Ala; replaces glycine 39 with alanine.
Molecular consequence: missense variant. On other transcripts: non-coding transcript variant (2).
Genome position (GRCh38, 1-based): chr3:71,198,266, C>G on the plus strand (G>C on the coding strand, the complement: FOXP1 is on the minus strand). VCF-style: chr3-71198266-C-G. GRCh37 (hg19) VCF-style: chr3-71247417-C-G.
Other names: c.116G>C, p.Gly39Ala (NM_001012505.2, NM_001244808.3, NM_001244810.2 and 7 more transcripts); short protein forms G39A.
Identifiers: ClinVar variation 1878634 (VCV001878634.2), dbSNP rs2108381045, ClinGen allele CA353565096.

ClinVar aggregate classification (germline): Uncertain significance. Review status: criteria provided, multiple submitters, no conflicts (2 of 4 stars). 2 submissions from 2 submitters: Uncertain significance (2). Last evaluated 2025-12-10.

Conditions:
Intellectual disability-severe speech delay-mild dysmorphism syndrome (IDDLA). Also called: Mental retardation with language impairment and autistic features; FOXP1 Syndrome; Intellectual developmental disorder with language impairment AND with or without autistic features. Identifiers: Orphanet 391372, MedGen C4013764, MONDO:0013352, OMIM 613670.

Submissions (2):

Labcorp Genetics (formerly Invitae), Labcorp
Classification: Uncertain significance. Last evaluated: 2025-12-10. Review status: criteria provided, single submitter. Criteria: Invitae Variant Classification Sherloc (09022015). Collection method: clinical testing. Allele origin: germline.
Comment: This sequence change replaces glycine, which is neutral and non-polar, with alanine, which is neutral and non-polar, at codon 39 of the FOXP1 protein (p.Gly39Ala). This variant is not present in population databases (gnomAD no frequency). This missense change has been observed in individual(s) with clinical features of FOXP1-related disorder (PMID: 36801247). ClinVar contains an entry for this variant (Variation ID: 1878634). Invitae Evidence Modeling of protein sequence and biophysical properties (such as structural, functional, and spatial information, amino acid conservation, physicochemical variation, residue mobility, and thermodynamic stability) indicates that this missense variant is not expected to disrupt FOXP1 protein function with a negative predictive value of 80%. In summary, the available evidence is currently insufficient to determine the role of this variant in disease. Therefore, it has been classified as a Variant of Uncertain Significance.

Neuberg Centre For Genomic Medicine, NCGM
Classification: Uncertain significance for Intellectual disability-severe speech delay-mild dysmorphism syndrome. Review status: criteria provided, single submitter. Criteria: ACMG Guidelines, 2015. Collection method: clinical testing. Allele origin: germline. Affected: yes.
Comment: The missense variant p.G39A in FOXP1 (NM_032682.5) has not been reported previously as a pathogenic variant nor as a benign variant, to our knowledge. The p.G39A variant is novel (not in any individuals) in gnomAD Exomes and is novel (not in any individuals) in 1000 Genomes. There is a small physicochemical difference between glycine and alanine, which is not likely to impact secondary protein structure as these residues share similar properties. The p.G39A missense variant is predicted to be damaging by both SIFT and PolyPhen2. The glycine residue at codon 39 of FOXP1 is conserved in all mammalian species. The nucleotide c.116 in FOXP1 is predicted conserved by GERP++ and PhyloP across 100 vertebrates. For these reasons, this variant has been classified as Uncertain Significance

Literature cited by the submitters: PubMed 36801247 (cited by Labcorp Genetics (formerly Invitae), Labcorp).